The following is an entry in ClinVar:

NM_000088.4(COL1A1):c.655C>T (p.Pro219Ser)

Gene: COL1A1 (collagen type I alpha 1 chain; minus strand). Cytogenetic location: 17q21.33.
Variant type: single nucleotide variant.
Coding change: c.655C>T on transcript NM_000088.4 (MANE Select); coding-DNA position 655, C replaced by T.
Protein change: p.Pro219Ser; replaces proline 219 with serine.
Molecular consequence: missense variant.
Genome position (GRCh38, 1-based): chr17:50,197,773, G>A on the plus strand (C>T on the coding strand, the complement: COL1A1 is on the minus strand). VCF-style: chr17-50197773-G-A. GRCh37 (hg19) VCF-style: chr17-48275134-G-A.
Other names: short protein forms P219S.
Identifiers: ClinVar variation 568877 (VCV000568877.10), dbSNP rs868168330, ClinGen allele CA291547924.

ClinVar aggregate classification (germline): Conflicting classifications of pathogenicity. Review status: criteria provided, conflicting classifications (1 of 4 stars). 2 submissions from 2 submitters: Uncertain significance (1); Benign (1). Last evaluated 2026-03-18.

Conditions:
Osteogenesis imperfecta type I (OI1). Also called: Classic Non-deforming Osteogenesis Imperfecta with Blue Sclerae; Lobstein's Disease; OI, TYPE I; OSTEOGENESIS IMPERFECTA TARDA; OSTEOGENESIS IMPERFECTA WITH BLUE SCLERAE; Osteogenesis imperfecta type 1. Identifiers: Orphanet 216796, Orphanet 666, MedGen C0023931, MONDO:0008146, OMIM 166200. Disease mechanism: loss of function.

Allele frequency attached by ClinVar (database versions not stated): gnomAD exomes 0.00001; gnomAD 0.00003 and 0.00004; TOPMed 0.00005.
gnomAD v4.1: 8 of 1,605,108 alleles (0.0005%); highest among the groups gnomAD compares: African/African-American, 0.0081%; no homozygotes.

Submissions (2):

GeneDx
Classification: Uncertain significance. Last evaluated: 2026-03-18. Review status: criteria provided, single submitter. Criteria: GeneDx Variant Classification Process June 2021. Collection method: clinical testing. Allele origin: germline.
Comment: Not observed at significant frequency in large population cohorts (gnomAD); In silico analysis supports that this missense variant has a deleterious effect on protein structure/function; Has not been previously published as pathogenic or benign to our knowledge; Occurs in the triple helical domain at the X position in the canonical Gly-X-Y repeat; although this variant may have an effect on normal protein folding and function, missense substitution at the X position is not a common mechanism of disease (HGMD)

Labcorp Genetics (formerly Invitae), Labcorp
Classification: Benign for Osteogenesis imperfecta type I. Last evaluated: 2023-03-20. Review status: criteria provided, single submitter. Criteria: Invitae Variant Classification Sherloc (09022015). Collection method: clinical testing. Allele origin: germline.